The following is an entry in ClinVar:

NM_002855.5(NECTIN1):c.81C>A (p.Gly27=)

Gene: NECTIN1 (nectin cell adhesion molecule 1; minus strand). Cytogenetic location: 11q23.3.
Variant type: single nucleotide variant.
Coding change: c.81C>A on transcript NM_002855.5 (MANE Select); coding-DNA position 81, C replaced by A.
Protein change: p.Gly27=; no amino-acid change (glycine 27 retained).
Molecular consequence: synonymous variant.
Genome position (GRCh38, 1-based): chr11:119,678,764, G>T on the plus strand (C>A on the coding strand, the complement: NECTIN1 is on the minus strand). VCF-style: chr11-119678764-G-T. GRCh37 (hg19) VCF-style: chr11-119549474-G-T.
Other names: c.81C>A, p.Gly27= (NM_203285.2, NM_203286.2).
Identifiers: ClinVar variation 731305 (VCV000731305.5), dbSNP rs111750499, ClinGen allele CA6322170.

ClinVar aggregate classification (germline): Likely benign. Review status: criteria provided, single submitter (1 of 4 stars). 2 submissions from 2 submitters: Likely benign (1). 1 of the submissions does not count toward it. Last evaluated 2018-06-29.

Conditions:
NECTIN1-related disorder. Also called: NECTIN1-related condition.

Allele frequency attached by ClinVar (database versions not stated): gnomAD 0.00007 and 0.00008; ESP Exome Variant Server 0.00008; TOPMed 0.00012.
gnomAD v4.1: 222 of 1,600,912 alleles (0.014%); highest among the groups gnomAD compares: Non-Finnish European, 0.016%; no homozygotes.

Submissions (2):

Labcorp Genetics (formerly Invitae), Labcorp
Classification: Likely benign. Last evaluated: 2018-06-29. Review status: criteria provided, single submitter. Criteria: Invitae Variant Classification Sherloc (09022015). Collection method: clinical testing. Allele origin: germline.

PreventionGenetics, part of Exact Sciences
Classification: Likely benign for NECTIN1-related condition. Last evaluated: 2022-04-17. Review status: no assertion criteria provided. Collection method: clinical testing. Allele origin: germline. Not counted in ClinVar's aggregate classification.
Comment: This variant is classified as likely benign based on ACMG/AMP sequence variant interpretation guidelines (Richards et al. 2015 PMID: 25741868, with internal and published modifications).